The following is an entry in ClinVar:

NM_032125.3(TMEM222):c.509T>G (p.Phe170Cys)

Gene: TMEM222 (transmembrane protein 222; plus strand). Cytogenetic location: 1p36.11.
Variant type: single nucleotide variant.
Coding change: c.509T>G on transcript NM_032125.3 (MANE Select); coding-DNA position 509, T replaced by G.
Protein change: p.Phe170Cys; replaces phenylalanine 170 with cysteine.
Molecular consequence: missense variant. On other transcripts: non-coding transcript variant (3).
Genome position (GRCh38, 1-based): chr1:27,334,251, T>G. VCF-style: chr1-27334251-T-G. GRCh37 (hg19) VCF-style: chr1-27660742-T-G.
Other names: short protein forms F170C.
Identifiers: ClinVar variation 3043825 (VCV003043825.2), dbSNP rs150291870, ClinGen allele CA712224.

ClinVar aggregate classification (germline): Likely benign (0 of 4 stars; one submission).

Conditions:
TMEM222-related disorder. Also called: TMEM222-related condition.

Allele frequency attached by ClinVar (database versions not stated): ESP Exome Variant Server 0.00069; gnomAD 0.00072; ExAC 0.00080; TOPMed 0.00087; 1000 Genomes Project 0.00120; 1000 Genomes Project 30x 0.00125.
gnomAD v4.1: 1,004 of 1,614,228 alleles (0.062%); highest among the groups gnomAD compares: Admixed American, 0.25%; 6 homozygotes.

Submission:

PreventionGenetics, part of Exact Sciences
Classification: Likely benign for TMEM222-related condition. Last evaluated: 2022-06-27. Review status: no assertion criteria provided. Collection method: clinical testing. Allele origin: germline.
Comment: This variant is classified as likely benign based on ACMG/AMP sequence variant interpretation guidelines (Richards et al. 2015 PMID: 25741868, with internal and published modifications).